The following is an entry in ClinVar:

ClinVar aggregate classification (germline): Conflicting classifications of pathogenicity. Review status: criteria provided, conflicting classifications (1 of 4 stars). 2 submissions from 2 submitters: Likely pathogenic (1); Uncertain significance (1). Last evaluated 2024-06-24.

Conditions:
Vanishing white matter disease. Also called: CACH syndrome; Childhood ataxia with diffuse central nervous system hypomyelination; Leukoencephalopathy with vanishing white matter; CACH/VWM syndrome; Cree leukoencehalopathy. Identifiers: Orphanet 135, Orphanet 99853, MedGen C1858991, MONDO:0800448.

Allele frequency attached by ClinVar (database versions not stated): TOPMed below 0.00001.

Submissions (2):

Women's Health and Genetics/Laboratory Corporation of America, LabCorp
Classification: Uncertain significance. Last evaluated: 2024-06-24. Review status: criteria provided, single submitter. Criteria: LabCorp Variant Classification Summary - May 2015. Collection method: clinical testing. Allele origin: germline.
Comment: Variant summary: EIF2B5 c.1010A>G (p.His337Arg) results in a non-conservative amino acid change in the encoded protein sequence. Four of five in-silico tools predict a damaging effect of the variant on protein function. The variant was absent in 251454 control chromosomes. c.1010A>G has been reported in the literature in compound heterozygous individuals affected with Leukoencephalopathy With Vanishing White Matter, including two affected individuals in one family (Rodrguez-Quiroga_2015, Cohen_2020, Benzoni_2023). These data indicate that the variant may be associated with disease. To our knowledge, no experimental evidence demonstrating an impact on protein function has been reported. The following publications have been ascertained in the context of this evaluation (PMID: 37171481, 31418856, 25989649). ClinVar contains an entry for this variant (Variation ID: 590971). Based on the evidence outlined above, the variant was classified as VUS-possibly pathogenic.

Consultorio y Laboratorio de Neurogenética, Hospital JM Ramos Mejia
Classification: Likely pathogenic for Leukoencephalopathy with vanishing white matter 1. Last evaluated: 2018-10-29. Review status: criteria provided, single submitter. Criteria: Submitter's publication. Collection method: research. Allele origin: de novo. Inheritance: Sporadic. Affected: yes.
Comment: The variant identified not been previously reported in public databases. We consider that these variants in compound heterozygosis are probably pathogenic because they are in a critical region and coding for the EIF2B5 gene; The gene has previously been associated with this disease as reported in the OMIM database and PubMed (Sharma et al., 2015; Woody et al., 2015).

Literature cited by the submitters: PubMed 31418856 (cited by Women's Health and Genetics/Laboratory Corporation of America, LabCorp); PubMed 25989649 (cited by Women's Health and Genetics/Laboratory Corporation of America, LabCorp); PubMed 37171481 (cited by Women's Health and Genetics/Laboratory Corporation of America, LabCorp).

NM_003907.3(EIF2B5):c.1010A>G (p.His337Arg)

Gene: EIF2B5 (eukaryotic translation initiation factor 2B subunit epsilon; plus strand). Cytogenetic location: 3q27.1.
Variant type: single nucleotide variant.
Coding change: c.1010A>G on transcript NM_003907.3 (MANE Select); coding-DNA position 1010, A replaced by G.
Protein change: p.His337Arg; replaces histidine 337 with arginine.
Molecular consequence: missense variant.
Genome position (GRCh38, 1-based): chr3:184,140,584, A>G. VCF-style: chr3-184140584-A-G. GRCh37 (hg19) VCF-style: chr3-183858372-A-G.
Other names: short protein forms H337R.
Identifiers: ClinVar variation 590971 (VCV000590971.4), dbSNP rs907041830, ClinGen allele CA88842889.